The following is an entry in ClinVar:

ClinVar aggregate classification (germline): Uncertain significance. Review status: criteria provided, multiple submitters, no conflicts (2 of 4 stars). 3 submissions from 3 submitters: Uncertain significance (3). Last evaluated 2026-06-29.

Conditions:
WHRN-related disorder. Also called: WHRN-related condition.

Allele frequency attached by ClinVar (database versions not stated): TOPMed 0.00004; 1000 Genomes Project 30x 0.00016; gnomAD 0.00003.
gnomAD v4.1: 24 of 1,612,948 alleles (0.0015%); highest among the groups gnomAD compares: East Asian, 0.031%; no homozygotes.

Submissions (3):

PreventionGenetics, part of Exact Sciences
Classification: Uncertain significance for WHRN-related condition. Last evaluated: 2026-06-29. Review status: criteria provided, single submitter. Criteria: ACMG Guidelines, 2015. Collection method: clinical testing. Allele origin: germline.
Comment: The WHRN c.2044C>T variant is predicted to result in the amino acid substitution p.Arg682Trp. This variant was reported in an individual with hearing loss without a second potentially causative variant (Ma et al. 2023. PubMed ID: 36597107). This variant is reported in 0.075% of alleles in individuals of East Asian descent in gnomAD. Although we suspect that this variant may be benign, at this time, the clinical significance of this variant is uncertain due to the absence of conclusive functional and genetic evidence.

Labcorp Genetics (formerly Invitae), Labcorp
Classification: Uncertain significance. Last evaluated: 2023-08-04. Review status: criteria provided, single submitter. Criteria: Invitae Variant Classification Sherloc (09022015). Collection method: clinical testing. Allele origin: germline.
Comment: In summary, the available evidence is currently insufficient to determine the role of this variant in disease. Therefore, it has been classified as a Variant of Uncertain Significance. An algorithm developed to predict the effect of missense changes on protein structure and function (PolyPhen-2) suggests that this variant is likely to be disruptive. ClinVar contains an entry for this variant (Variation ID: 1492974). This sequence change replaces arginine, which is basic and polar, with tryptophan, which is neutral and slightly polar, at codon 682 of the WHRN protein (p.Arg682Trp). This variant is present in population databases (rs753228548, gnomAD 0.07%). This variant has not been reported in the literature in individuals affected with WHRN-related conditions.

Blueprint Genetics
Classification: Uncertain significance. Last evaluated: 2022-11-23. Review status: criteria provided, single submitter. Criteria: ACMG Guidelines, 2015. Collection method: clinical testing. Allele origin: germline.

NM_015404.4(WHRN):c.2044C>T (p.Arg682Trp)

Gene: WHRN (whirlin; minus strand). Cytogenetic location: 9q32.
Variant type: single nucleotide variant.
Coding change: c.2044C>T on transcript NM_015404.4 (MANE Select); coding-DNA position 2044, C replaced by T.
Protein change: p.Arg682Trp; replaces arginine 682 with tryptophan.
Molecular consequence: missense variant.
Genome position (GRCh38, 1-based): chr9:114,406,547, G>A on the plus strand (C>T on the coding strand, the complement: WHRN is on the minus strand). VCF-style: chr9-114406547-G-A. GRCh37 (hg19) VCF-style: chr9-117168827-G-A.
Other names: c.2044C>T (NM_015404.3); c.895C>T, p.Arg299Trp (NM_001083885.3); c.2044C>T, p.Arg682Trp (NM_001173425.2); c.991C>T, p.Arg331Trp (NM_001346890.1); short protein forms R299W, R331W, R682W.
Identifiers: ClinVar variation 1492974 (VCV001492974.6), dbSNP rs753228548, ClinGen allele CA5205745.